The following is an entry in ClinVar:

NM_198578.4(LRRK2):c.3350A>T (p.Asn1117Ile)

Gene: LRRK2 (leucine rich repeat kinase 2; plus strand). Cytogenetic location: 12q12.
Variant type: single nucleotide variant.
Coding change: c.3350A>T on transcript NM_198578.4 (MANE Select); coding-DNA position 3350, A replaced by T.
Protein change: p.Asn1117Ile; replaces asparagine 1117 with isoleucine.
Molecular consequence: missense variant.
Genome position (GRCh38, 1-based): chr12:40,299,111, A>T. VCF-style: chr12-40299111-A-T. GRCh37 (hg19) VCF-style: chr12-40692913-A-T.
Other names: short protein forms N1117I.
Identifiers: ClinVar variation 3540614 (VCV003540614.1).

ClinVar aggregate classification (germline): Uncertain significance (1 of 4 stars; one submission).

Conditions:
Inborn genetic diseases. Identifiers: MedGen C0950123, MeSH D030342.

Submission:

Ambry Genetics
Classification: Uncertain significance for Inborn genetic diseases. Last evaluated: 2024-08-07. Review status: criteria provided, single submitter. Criteria: Ambry Variant Classification Scheme 2023. Collection method: clinical testing. Allele origin: germline.
Comment: The p.N1117I variant (also known as c.3350A>T), located in coding exon 25 of the LRRK2 gene, results from an A to T substitution at nucleotide position 3350. The asparagine at codon 1117 is replaced by isoleucine, an amino acid with dissimilar properties. This amino acid position is conserved. In addition, the in silico prediction for this alteration is inconclusive. Based on the available evidence, the clinical significance of this variant remains unclear.